The following is an entry in ClinVar:

ClinVar aggregate classification (germline): Uncertain significance. Review status: criteria provided, multiple submitters, no conflicts (2 of 4 stars). 2 submissions from 2 submitters: Uncertain significance (2). Last evaluated 2024-08-15.

Conditions:
Inborn genetic diseases. Identifiers: MedGen C0950123, MeSH D030342.

Allele frequency attached by ClinVar (database versions not stated): gnomAD exomes below 0.00001; gnomAD 0.00001; TOPMed 0.00001.

Submissions (2):

Labcorp Genetics (formerly Invitae), Labcorp
Classification: Uncertain significance. Last evaluated: 2024-08-15. Review status: criteria provided, single submitter. Criteria: Invitae Variant Classification Sherloc (09022015). Collection method: clinical testing. Allele origin: germline.
Comment: This sequence change replaces methionine, which is neutral and non-polar, with isoleucine, which is neutral and non-polar, at codon 1516 of the USH2A protein (p.Met1516Ile). This variant is not present in population databases (gnomAD no frequency). This variant has not been reported in the literature in individuals affected with USH2A-related conditions. Invitae Evidence Modeling of protein sequence and biophysical properties (such as structural, functional, and spatial information, amino acid conservation, physicochemical variation, residue mobility, and thermodynamic stability) indicates that this missense variant is not expected to disrupt USH2A protein function with a negative predictive value of 95%. In summary, the available evidence is currently insufficient to determine the role of this variant in disease. Therefore, it has been classified as a Variant of Uncertain Significance.

Ambry Genetics
Classification: Uncertain significance for Inborn genetic diseases. Last evaluated: 2023-12-18. Review status: criteria provided, single submitter. Criteria: Ambry Variant Classification Scheme 2023. Collection method: clinical testing. Allele origin: germline.

NM_206933.4(USH2A):c.4548G>A (p.Met1516Ile)

Gene: USH2A (usherin; minus strand). Cytogenetic location: 1q41.
Variant type: single nucleotide variant.
Coding change: c.4548G>A on transcript NM_206933.4 (MANE Select); coding-DNA position 4548, G replaced by A.
Protein change: p.Met1516Ile; replaces methionine 1516 with isoleucine.
Molecular consequence: missense variant.
Genome position (GRCh38, 1-based): chr1:216,175,331, C>T on the plus strand (G>A on the coding strand, the complement: USH2A is on the minus strand). VCF-style: chr1-216175331-C-T. GRCh37 (hg19) VCF-style: chr1-216348673-C-T.
Other names: c.4548G>A, p.Met1516Ile (NM_007123.6); short protein forms M1516I.
Identifiers: ClinVar variation 3187073 (VCV003187073.2), dbSNP rs879342185, ClinGen allele CA37492758.